The following is an entry in ClinVar:

NM_003242.6(TGFBR2):c.497A>G (p.Gln166Arg)

Gene: TGFBR2 (transforming growth factor beta receptor 2; plus strand). Cytogenetic location: 3p24.1.
Variant type: single nucleotide variant.
Coding change: c.497A>G on transcript NM_003242.6 (MANE Select); coding-DNA position 497, A replaced by G.
Protein change: p.Gln166Arg; replaces glutamine 166 with arginine.
Molecular consequence: missense variant.
Genome position (GRCh38, 1-based): chr3:30,671,680, A>G. VCF-style: chr3-30671680-A-G. GRCh37 (hg19) VCF-style: chr3-30713172-A-G.
Other names: c.572A>G, p.Gln191Arg (NM_001024847.3); c.680A>G, p.Gln227Arg (NM_001407126.1); c.605A>G, p.Gln202Arg (NM_001407127.1); c.524A>G, p.Gln175Arg (NM_001407128.1); c.500A>G, p.Gln167Arg (NM_001407129.1); c.497A>G, p.Gln166Arg (NM_001407130.1); c.392A>G, p.Gln131Arg (NM_001407132.1, NM_001407133.1, NM_001407134.1 and 2 more transcripts); c.212A>G, p.Gln71Arg (NM_001407137.1); and 1 more; short protein forms Q166R, Q191R, Q71R, Q131R, Q167R, Q175R, Q202R, Q227R.
Identifiers: ClinVar variation 918873 (VCV000918873.5), dbSNP rs770804409, ClinGen allele CA049087.

ClinVar aggregate classification (germline): Uncertain significance (1 of 4 stars; one submission).

Conditions:
Familial thoracic aortic aneurysm and aortic dissection (TAAD). Also called: Thoracic aortic aneurysms and dissections. Identifiers: Orphanet 91387, MedGen C4707243, MONDO:0019625.

Allele frequency attached by ClinVar (database versions not stated): gnomAD exomes below 0.00001; ExAC 0.00001.
gnomAD v4.1: 3 of 1,614,224 alleles (0.00019%); highest among the groups gnomAD compares: South Asian, 0.0033%; no homozygotes.

Submission:

Color Diagnostics, LLC DBA Color Health
Classification: Uncertain significance for Familial thoracic aortic aneurysm and aortic dissection. Last evaluated: 2024-03-06. Review status: criteria provided, single submitter. Criteria: ACMG Guidelines, 2015. Collection method: clinical testing. Allele origin: germline.
Comment: This missense variant replaces glutamine with arginine at codon 191 of the TGFBR2 protein. Computational prediction tool suggests that this variant may not impact protein structure and function (internally defined REVEL score threshold <=0.5, PMID: 27666373). Splice site prediction tools suggest that this variant may not impact RNA splicing. To our knowledge, functional studies have not been performed for this variant. This variant has not been reported in individuals affected with cardiovascular disorders in the literature. This variant has been identified in 1/251286 chromosomes in the general population by the Genome Aggregation Database (gnomAD). The available evidence is insufficient to determine the role of this variant in disease conclusively. Therefore, this variant is classified as a Variant of Uncertain Significance.